The following is an entry in ClinVar:

ClinVar aggregate classification (germline): Uncertain significance (1 of 4 stars; one submission).

Submission:

GeneDx
Classification: Uncertain significance. Last evaluated: 2017-03-24. Review status: criteria provided, single submitter. Criteria: GeneDx Variant Classification (06012015). Collection method: clinical testing. Allele origin: germline. Affected: yes.
Comment: A variant of uncertain significance has been identified in the SLC13A5 gene. The C322Y variant has not been published as a pathogenic variant, nor has it been reported as a benign variant to our knowledge. The C322Y variant is not observed in large population cohorts (Lek et al., 2016; 1000 Genomes Consortium et al., 2015; Exome Variant Server). The C322Y variant is a non-conservative amino acid substitution, which is likely to impact secondary protein structure as these residues differ in polarity, charge, size and/or other properties. This substitution occurs at a position that is conserved in mammals. However, in silico analysis is inconsistent in its predictions as to whether or not the variant is damaging to the protein structure/function. Therefore, based on the currently available information, it is unclear whether this variant is a pathogenic variant or a rare benign variant.

NM_177550.5(SLC13A5):c.965G>A (p.Cys322Tyr)

Gene: SLC13A5 (solute carrier family 13 member 5; minus strand). Cytogenetic location: 17p13.1.
Variant type: single nucleotide variant.
Coding change: c.965G>A on transcript NM_177550.5 (MANE Select); coding-DNA position 965, G replaced by A.
Protein change: p.Cys322Tyr; replaces cysteine 322 with tyrosine.
Molecular consequence: missense variant.
Genome position (GRCh38, 1-based): chr17:6,695,816, C>T on the plus strand (G>A on the coding strand, the complement: SLC13A5 is on the minus strand). VCF-style: chr17-6695816-C-T. GRCh37 (hg19) VCF-style: chr17-6599135-C-T.
Other names: c.965G>A, p.Cys322Tyr (NM_001143838.3); c.914G>A, p.Cys305Tyr (NM_001284509.2); c.836G>A, p.Cys279Tyr (NM_001284510.2); short protein forms C322Y, C279Y, C305Y.
Identifiers: ClinVar variation 426937 (VCV000426937.2), dbSNP rs1085307860, ClinGen allele CA397744253.